The following is an entry in ClinVar:

NM_006269.2(RP1):c.5917A>G (p.Lys1973Glu)

Genes: RP1 (RP1 axonemal microtubule associated; plus strand), LOC126860392 (CDK7 strongly-dependent group 2 enhancer GRCh37_chr8:55541319-55542518; plus strand). Cytogenetic location: 8q12.1.
Variant type: single nucleotide variant.
Coding change: c.5917A>G on transcript NM_006269.2 (MANE Select); coding-DNA position 5917, A replaced by G.
Protein change: p.Lys1973Glu; replaces lysine 1973 with glutamic acid.
Molecular consequence: missense variant. On other transcripts: intron variant (1).
Genome position (GRCh38, 1-based): chr8:54,629,799, A>G. VCF-style: chr8-54629799-A-G. GRCh37 (hg19) VCF-style: chr8-55542359-A-G.
Other names: c.787+7511A>G (NM_001375654.1); short protein forms K1973E.
Identifiers: ClinVar variation 4725095 (VCV004725095.1).

ClinVar aggregate classification (germline): Uncertain significance (1 of 4 stars; one submission).

Submission:

Labcorp Genetics (formerly Invitae), Labcorp
Classification: Uncertain significance. Last evaluated: 2025-08-14. Review status: criteria provided, single submitter. Criteria: Invitae Variant Classification Sherloc (09022015). Collection method: clinical testing. Allele origin: germline.
Comment: This sequence change replaces lysine, which is basic and polar, with glutamic acid, which is acidic and polar, at codon 1973 of the RP1 protein (p.Lys1973Glu). This variant is not present in population databases (gnomAD no frequency). This variant has not been reported in the literature in individuals affected with RP1-related conditions. An algorithm developed to predict the effect of missense changes on protein structure and function outputs the following: PolyPhen-2: "Benign". The glutamic acid amino acid residue is found in multiple mammalian species, which suggests that this missense change does not adversely affect protein function. In summary, the available evidence is currently insufficient to determine the role of this variant in disease. Therefore, it has been classified as a Variant of Uncertain Significance.